The following is an entry in ClinVar:

ClinVar aggregate classification (germline): Benign/Likely benign. Review status: criteria provided, multiple submitters, no conflicts (2 of 4 stars). 6 submissions from 6 submitters: Benign (1); Likely benign (4). 1 of the submissions does not count toward it. Last evaluated 2026-08-01.

Conditions:
Inborn genetic diseases. Identifiers: MedGen C0950123, MeSH D030342.
KAT6A-related disorder. Also called: KAT6A-related condition.

Submissions (6):

CeGaT Center for Human Genetics Tuebingen
Classification: Likely benign. Last evaluated: 2026-08-01. Review status: criteria provided, single submitter. Criteria: CeGaT Center For Human Genetics Tuebingen Variant Classification Criteria Version 2. Collection method: clinical testing. Allele origin: germline. Affected: yes. Observed: 1 variant allele.
Comment: KAT6A: BS1

Labcorp Genetics (formerly Invitae), Labcorp
Classification: Likely benign. Last evaluated: 2026-01-27. Review status: criteria provided, single submitter. Criteria: Invitae Variant Classification Sherloc (09022015). Collection method: clinical testing. Allele origin: germline.

Ambry Genetics
Classification: Likely benign for Inborn genetic diseases. Last evaluated: 2025-03-31. Review status: criteria provided, single submitter. Criteria: Ambry Variant Classification Scheme 2023. Collection method: clinical testing. Allele origin: germline.

Blueprint Genetics
Classification: Likely benign. Last evaluated: 2024-03-19. Review status: criteria provided, single submitter. Criteria: ACMG Guidelines, 2015. Collection method: clinical testing. Allele origin: germline.

GeneDx
Classification: Benign. Last evaluated: 2020-08-10. Review status: criteria provided, single submitter. Criteria: GeneDx Variant Classification Process June 2021. Collection method: clinical testing. Allele origin: germline. Affected: yes.

PreventionGenetics, part of Exact Sciences
Classification: Likely benign for KAT6A-related condition. Last evaluated: 2022-04-07. Review status: no assertion criteria provided. Collection method: clinical testing. Allele origin: germline. Not counted in ClinVar's aggregate classification.
Comment: This variant is classified as likely benign based on ACMG/AMP sequence variant interpretation guidelines (Richards et al. 2015 PMID: 25741868, with internal and published modifications).

NM_006766.5(KAT6A):c.4940AGC[5] (p.Gln1650dup)

Gene: KAT6A (lysine acetyltransferase 6A; minus strand). Cytogenetic location: 8p11.21.
Variant type: Microsatellite.
Coding change: c.4940AGC[5] on transcript NM_006766.5 (MANE Select); five copies in a row of the 3-base unit AGC starting at c.4940; the reference has four copies in a row; one copy, 3 bases duplicated.
Protein change: p.Gln1650dup; duplicates glutamine 1650.
Molecular consequence: inframe insertion.
Genome position (GRCh38, 1-based): chr8:41,933,269-41,933,271, GCT duplicated on the plus strand (AGC on the coding strand, the reverse complement: KAT6A is on the minus strand); duplicating any 3 consecutive bases within chr8:41,933,269-41,933,281 gives the same sequence; the position shown is the placement nearest the transcript's 3' end. VCF-style (leftmost placement, unchanged base first): chr8-41933268-G-GGCT. GRCh37 (hg19) VCF-style: chr8-41790786-G-GGCT.
Other names: c.4949_4951dupAGC (NM_006766.3, NM_006766.4).
Identifiers: ClinVar variation 588016 (VCV000588016.16), dbSNP rs542184116, ClinGen allele CA4729401.